The following is an entry in ClinVar:

ClinVar aggregate classification (germline): Uncertain significance (1 of 4 stars; one submission).

Conditions:
RASopathy. Also called: rasopathies; Noonan spectrum disorder. Identifiers: Orphanet 536391, MedGen C5555857, MONDO:0021060.

Submission:

Labcorp Genetics (formerly Invitae), Labcorp
Classification: Uncertain significance for RASopathy. Last evaluated: 2025-08-09. Review status: criteria provided, single submitter. Criteria: Invitae Variant Classification Sherloc (09022015). Collection method: clinical testing. Allele origin: germline.
Comment: This sequence change replaces methionine, which is neutral and non-polar, with isoleucine, which is neutral and non-polar, at codon 668 of the BRAF protein (p.Met668Ile). This variant is not present in population databases (gnomAD no frequency). This variant has not been reported in the literature in individuals affected with BRAF-related conditions. ClinVar contains an entry for this variant (Variation ID: 2700278). Invitae Evidence Modeling of protein sequence and biophysical properties (such as structural, functional, and spatial information, amino acid conservation, physicochemical variation, residue mobility, and thermodynamic stability) indicates that this missense variant is expected to disrupt BRAF protein function with a positive predictive value of 80%. In summary, the available evidence is currently insufficient to determine the role of this variant in disease. Therefore, it has been classified as a Variant of Uncertain Significance.

NM_004333.6(BRAF):c.2004G>C (p.Met668Ile)

Gene: BRAF (B-Raf proto-oncogene, serine/threonine kinase; minus strand). Cytogenetic location: 7q34.
Variant type: single nucleotide variant.
Coding change: c.2004G>C on transcript NM_004333.6 (MANE Select); coding-DNA position 2004, G replaced by C.
Protein change: p.Met668Ile; replaces methionine 668 with isoleucine.
Molecular consequence: missense variant.
Genome position (GRCh38, 1-based): chr7:140,739,935, C>G on the plus strand (G>C on the coding strand, the complement: BRAF is on the minus strand). VCF-style: chr7-140739935-C-G. GRCh37 (hg19) VCF-style: chr7-140439735-C-G.
Other names: c.2004G>C, p.Met668Ile (NM_001354609.2, NM_001378474.1, NM_001378468.1); c.1848G>C, p.Met616Ile (NM_001378472.1, NM_001378473.1); c.1740G>C, p.Met580Ile (NM_001378475.1); c.2124G>C, p.Met708Ile (NM_001374244.1, NM_001374258.1); c.2013G>C, p.Met671Ile (NM_001378467.1); c.1938G>C, p.Met646Ile (NM_001378469.1); c.1902G>C, p.Met634Ile (NM_001378470.1); c.1893G>C, p.Met631Ile (NM_001378471.1); short protein forms M580I, M631I, M634I, M646I, M616I, M708I, M671I, M668I.
Identifiers: ClinVar variation 2700278 (VCV002700278.3), dbSNP rs2130900960, ClinGen allele CA369538555.